The following is an entry in ClinVar:

NC_000001.10:g.(?_230778226)_(230829729_?)del

Gene: COG2 (component of oligomeric golgi complex 2; plus strand). Cytogenetic location: 1q42.2.
Variant type: Deletion.
Identifiers: ClinVar variation 4689533 (VCV004689533.1).

ClinVar aggregate classification (germline): Pathogenic (1 of 4 stars; one submission).

Conditions:
Congenital disorder of glycosylation, type IIq. Also called: CDG IIq. Identifiers: Orphanet 435934, MedGen C4479353, MONDO:0054559, OMIM 617395.

Submission:

Women's Health and Genetics/Laboratory Corporation of America, LabCorp
Classification: Pathogenic for Congenital disorder of glycosylation, type IIq. Last evaluated: 2026-01-08. Review status: criteria provided, single submitter. Criteria: LabCorp Variant Classification Summary - May 2015. Collection method: clinical testing. Allele origin: germline.
Comment: Variant summary: The variant involves the deletion of exons 1-18 in the COG2 gene. A presumed nomenclature of c.(?_-127)_(*590_?)del has been designated for the purposes of this classification. This deletion includes the entire coding sequence of the gene. As the exact proximal and distal breakpoints are unknown, it may extend beyond the annotated region of the gene to include other flanking genes. Loss-of-function variants in this gene are known to be pathogenic. The frequency of this variant in the general population could not be determined as the technology used for large population databases (ExAC, gnomAD, ESP, 1000G) cannot detect variants of this type. To our knowledge, no occurrence of c.(?_-127)_(*590_?)del in individuals affected with COG2-related conditions and no experimental evidence demonstrating its impact on protein function have been reported. ClinVar contains an entry for this variant (Variation ID: 1809325). Based on the evidence outlined above, the variant was classified as pathogenic.